The following is an entry in ClinVar:

ClinVar aggregate classification (germline): Uncertain significance (1 of 4 stars; one submission).

Submission:

Labcorp Genetics (formerly Invitae), Labcorp
Classification: Uncertain significance. Last evaluated: 2022-02-05. Review status: criteria provided, single submitter. Criteria: Invitae Variant Classification Sherloc (09022015). Collection method: clinical testing. Allele origin: germline.
Comment: In summary, the available evidence is currently insufficient to determine the role of this variant in disease. Therefore, it has been classified as a Variant of Uncertain Significance. Algorithms developed to predict the effect of missense changes on protein structure and function are either unavailable or do not agree on the potential impact of this missense change (SIFT: "Deleterious"; PolyPhen-2: "Not Available"; Align-GVGD: "Class C0"). This variant has not been reported in the literature in individuals affected with TRIOBP-related conditions. This variant is not present in population databases (gnomAD no frequency). This sequence change replaces threonine, which is neutral and polar, with alanine, which is neutral and non-polar, at codon 473 of the TRIOBP protein (p.Thr473Ala).

NM_001039141.3(TRIOBP):c.1417A>G (p.Thr473Ala)

Gene: TRIOBP (TRIO and F-actin binding protein; plus strand). Cytogenetic location: 22q13.1.
Variant type: single nucleotide variant.
Coding change: c.1417A>G on transcript NM_001039141.3 (MANE Select); coding-DNA position 1417, A replaced by G.
Protein change: p.Thr473Ala; replaces threonine 473 with alanine.
Molecular consequence: missense variant.
Genome position (GRCh38, 1-based): chr22:37,723,973, A>G. VCF-style: chr22-37723973-A-G. GRCh37 (hg19) VCF-style: chr22-38119980-A-G.
Other names: short protein forms T473A.
Identifiers: ClinVar variation 2093425 (VCV002093425.4), dbSNP rs2518172947, ClinGen allele CA411460444.